The following is an entry in ClinVar:

ClinVar aggregate classification (germline): Uncertain significance (1 of 4 stars; one submission).

Conditions:
GM3 synthase deficiency (SPDRS). Also called: SALT AND PEPPER DEVELOPMENTAL REGRESSION SYNDROME; AMISH INFANTILE EPILEPSY SYNDROME; SALT AND PEPPER MENTAL RETARDATION SYNDROME. Identifiers: Orphanet 171714, Orphanet 370933, MedGen C1836824, MONDO:0018274, OMIM 609056.

Allele frequency attached by ClinVar (database versions not stated): ExAC 0.00001; ESP Exome Variant Server 0.00008.

Submission:

Labcorp Genetics (formerly Invitae), Labcorp
Classification: Uncertain significance for GM3 synthase deficiency. Last evaluated: 2020-07-21. Review status: criteria provided, single submitter. Criteria: Invitae Variant Classification Sherloc (09022015). Collection method: clinical testing. Allele origin: germline.
Comment: In summary, the available evidence is currently insufficient to determine the role of this variant in disease. Therefore, it has been classified as a Variant of Uncertain Significance. Nucleotide substitutions within the consensus splice site are a relatively common cause of aberrant splicing (PMID: 17576681, 9536098). Algorithms developed to predict the effect of sequence changes on RNA splicing suggest that this variant is not likely to affect RNA splicing, but this prediction has not been confirmed by published transcriptional studies. This variant has not been reported in the literature in individuals with ST3GAL5-related conditions. This variant is present in population databases (rs374943174, ExAC 0.01%). This sequence change falls in intron 3 of the ST3GAL5 gene. It does not directly change the encoded amino acid sequence of the ST3GAL5 protein, but it affects a nucleotide within the consensus splice site of the intron.

Literature cited by the submitters: PubMed 17576681; PubMed 9536098.

NM_003896.4(ST3GAL5):c.318+6A>T

Gene: ST3GAL5 (ST3 beta-galactoside alpha-2,3-sialyltransferase 5; minus strand). Cytogenetic location: 2p11.2.
Variant type: single nucleotide variant.
Coding change: c.318+6A>T on transcript NM_003896.4 (MANE Select); 6 bases into the intron after coding-DNA position 318, A replaced by T.
Molecular consequence: intron variant.
Genome position (GRCh38, 1-based): chr2:85,861,175, T>A on the plus strand (A>T on the coding strand, the complement: ST3GAL5 is on the minus strand). VCF-style: chr2-85861175-T-A. GRCh37 (hg19) VCF-style: chr2-86088298-T-A.
Other names: c.-244+6A>T (NM_001354226.2, NM_001354223.2); c.-684+6A>T (NM_001354233.2); c.-307+6A>T (NM_001354224.2); c.234+6A>T (NM_001354227.2, NM_001354229.2, NM_001354238.1); c.249+6A>T (NM_001042437.2); c.318+6A>T (NM_001363847.1); c.-648+6A>T (NM_001354234.1).
Identifiers: ClinVar variation 1015601 (VCV001015601.8), dbSNP rs374943174, ClinGen allele CA1745114.